The following is an entry in ClinVar:

NM_001005361.3(DNM2):c.16A>G (p.Met6Val)

Genes: DNM2 (dynamin 2; plus strand), LOC130063529 (ATAC-STARR-seq lymphoblastoid silent region 10090; plus strand). Cytogenetic location: 19p13.2.
Variant type: single nucleotide variant.
Coding change: c.16A>G on transcript NM_001005361.3 (MANE Select); coding-DNA position 16, A replaced by G.
Protein change: p.Met6Val; replaces methionine 6 with valine.
Molecular consequence: missense variant.
Genome position (GRCh38, 1-based): chr19:10,718,258, A>G. VCF-style: chr19-10718258-A-G. GRCh37 (hg19) VCF-style: chr19-10828934-A-G.
Other names: c.16A>G, p.Met6Val (NM_001005360.3, NM_001005362.3, NM_001190716.2 and 1 more transcripts); short protein forms M6V.
Identifiers: ClinVar variation 2002188 (VCV002002188.4), dbSNP rs2068818174, ClinGen allele CA404046383.

ClinVar aggregate classification (germline): Uncertain significance (1 of 4 stars; one submission).

Conditions:
Charcot-Marie-Tooth disease dominant intermediate B (CMTDIB). Also called: CHARCOT-MARIE-TOOTH NEUROPATHY, DOMINANT INTERMEDIATE B; Charcot-Marie-Tooth disease dominant intermediate 1; CMT DI1; Charcot-Marie-Tooth disease dominant intermediate I. Identifiers: Orphanet 100044, Orphanet 228179, MedGen C1847902, MONDO:0011674, OMIM 606482.

Allele frequency attached by ClinVar (database versions not stated): TOPMed below 0.00001.

Submission:

Labcorp Genetics (formerly Invitae), Labcorp
Classification: Uncertain significance for Charcot-Marie-Tooth disease dominant intermediate B. Last evaluated: 2025-11-13. Review status: criteria provided, single submitter. Criteria: Invitae Variant Classification Sherloc (09022015). Collection method: clinical testing. Allele origin: germline.
Comment: This sequence change replaces methionine, which is neutral and non-polar, with valine, which is neutral and non-polar, at codon 6 of the DNM2 protein (p.Met6Val). This variant is not present in population databases (gnomAD no frequency). This variant has not been reported in the literature in individuals affected with DNM2-related conditions. ClinVar contains an entry for this variant (Variation ID: 2002188). Invitae Evidence Modeling of protein sequence and biophysical properties (such as structural, functional, and spatial information, amino acid conservation, physicochemical variation, residue mobility, and thermodynamic stability) indicates that this missense variant is expected to disrupt DNM2 protein function with a positive predictive value of 80%. In summary, the available evidence is currently insufficient to determine the role of this variant in disease. Therefore, it has been classified as a Variant of Uncertain Significance.